The following is an entry in ClinVar:

NM_002335.4(LRP5):c.331G>T (p.Asp111Tyr)

Gene: LRP5 (LDL receptor related protein 5; plus strand). Cytogenetic location: 11q13.2.
Variant type: single nucleotide variant.
Coding change: c.331G>T on transcript NM_002335.4 (MANE Select); coding-DNA position 331, G replaced by T.
Protein change: p.Asp111Tyr; replaces aspartic acid 111 with tyrosine.
Molecular consequence: missense variant. On other transcripts: 5 prime UTR variant (1).
Genome position (GRCh38, 1-based): chr11:68,348,086, G>T. VCF-style: chr11-68348086-G-T. GRCh37 (hg19) VCF-style: chr11-68115554-G-T.
Other names: c.-1435G>T (NM_001291902.2); short protein forms D111Y.
Identifiers: ClinVar variation 1406823 (VCV001406823.6), dbSNP rs2153129547, ClinGen allele CA381610548.

ClinVar aggregate classification (germline): Uncertain significance (1 of 4 stars; one submission).

Submission:

Labcorp Genetics (formerly Invitae), Labcorp
Classification: Uncertain significance. Last evaluated: 2024-04-13. Review status: criteria provided, single submitter. Criteria: Invitae Variant Classification Sherloc (09022015). Collection method: clinical testing. Allele origin: germline.
Comment: This sequence change replaces aspartic acid, which is acidic and polar, with tyrosine, which is neutral and polar, at codon 111 of the LRP5 protein (p.Asp111Tyr). This variant is not present in population databases (gnomAD no frequency). This missense change has been observed in individual(s) with clinical features of high bone mass syndromes (PMID: 12579474; Invitae). ClinVar contains an entry for this variant (Variation ID: 1406823). Advanced modeling of protein sequence and biophysical properties (such as structural, functional, and spatial information, amino acid conservation, physicochemical variation, residue mobility, and thermodynamic stability) performed at Invitae indicates that this missense variant is expected to disrupt LRP5 protein function with a positive predictive value of 95%. Experimental studies have shown that this missense change affects LRP5 function (PMID: 17052975, 18521528). In summary, the available evidence is currently insufficient to determine the role of this variant in disease. Therefore, it has been classified as a Variant of Uncertain Significance.

Literature cited by the submitters: PubMed 12579474; PubMed 17052975; PubMed 18521528.